The following is an entry in ClinVar:

ClinVar aggregate classification (germline): Uncertain significance. Review status: criteria provided, multiple submitters, no conflicts (2 of 4 stars). 2 submissions from 2 submitters: Uncertain significance (2). Last evaluated 2025-08-08.

Conditions:
Inborn genetic diseases. Identifiers: MedGen C0950123, MeSH D030342.

Submissions (2):

Ambry Genetics
Classification: Uncertain significance for Inborn genetic diseases. Last evaluated: 2025-08-08. Review status: criteria provided, single submitter. Criteria: Ambry Variant Classification Scheme 2023. Collection method: clinical testing. Allele origin: germline.

Labcorp Genetics (formerly Invitae), Labcorp
Classification: Uncertain significance. Last evaluated: 2022-05-25. Review status: criteria provided, single submitter. Criteria: Invitae Variant Classification Sherloc (09022015). Collection method: clinical testing. Allele origin: germline.
Comment: This sequence change replaces serine, which is neutral and polar, with phenylalanine, which is neutral and non-polar, at codon 173 of the NBAS protein (p.Ser173Phe). This variant is not present in population databases (gnomAD no frequency). This variant has not been reported in the literature in individuals affected with NBAS-related conditions. Algorithms developed to predict the effect of missense changes on protein structure and function are either unavailable or do not agree on the potential impact of this missense change (SIFT: "Deleterious"; PolyPhen-2: "Benign"; Align-GVGD: "Class C65"). In summary, the available evidence is currently insufficient to determine the role of this variant in disease. Therefore, it has been classified as a Variant of Uncertain Significance.

NM_015909.4(NBAS):c.518C>T (p.Ser173Phe)

Gene: NBAS (NBAS subunit of NRZ tethering complex; minus strand). Cytogenetic location: 2p24.3.
Variant type: single nucleotide variant.
Coding change: c.518C>T on transcript NM_015909.4 (MANE Select); coding-DNA position 518, C replaced by T.
Protein change: p.Ser173Phe; replaces serine 173 with phenylalanine.
Molecular consequence: missense variant. On other transcripts: non-coding transcript variant (1).
Genome position (GRCh38, 1-based): chr2:15,536,547, G>A on the plus strand (C>T on the coding strand, the complement: NBAS is on the minus strand). VCF-style: chr2-15536547-G-A. GRCh37 (hg19) VCF-style: chr2-15676671-G-A.
Other names: c.518C>T (NM_015909.2); short protein forms S173F.
Identifiers: ClinVar variation 1515827 (VCV001515827.4), dbSNP rs200187497, ClinGen allele CA42648802.